The following is an entry in ClinVar:

NM_001099922.3(ALG13):c.568C>T (p.His190Tyr)

Gene: ALG13 (ALG13 UDP-N-acetylglucosaminyltransferase subunit; plus strand). Cytogenetic location: Xq23.
Variant type: single nucleotide variant.
Coding change: c.568C>T on transcript NM_001099922.3 (MANE Select); coding-DNA position 568, C replaced by T.
Protein change: p.His190Tyr; replaces histidine 190 with tyrosine.
Molecular consequence: missense variant. On other transcripts: non-coding transcript variant (1).
Genome position (GRCh38, 1-based): chrX:111,708,211, C>T. VCF-style: chrX-111708211-C-T. GRCh37 (hg19) VCF-style: chrX-110951439-C-T.
Other names: c.568C>T (NM_001099922.2); c.256C>T, p.His86Tyr (NM_001257230.2, NM_001257234.2, NM_001257237.2 and 1 more transcripts); c.334C>T, p.His112Tyr (NM_001257231.2); c.568C>T, p.His190Tyr (NM_001324292.2); short protein forms H190Y, H112Y, H86Y.
Identifiers: ClinVar variation 1045540 (VCV001045540.10), dbSNP rs1939123103, ClinGen allele CA414249579.
Genomic context (GRCh38, chrX:111,708,211, plus strand): 5'-CATAAGCAAGCCCTTGTTACTGCTACCCATCCTACCTGCACCCTGCTTTTTCCCTCTTGC[C>T]ACGCTTTTTTTCCTCTCCCTCTTACCCCCACCCTGTACAAAATGCATAAAGGATGGAAAA-3'
Protein context (NP_001093392.1, residues 180-200): PTCTLLFPSC[His190Tyr]AFFPLPLTPT

ClinVar aggregate classification (germline): Uncertain significance. Review status: criteria provided, multiple submitters, no conflicts (2 of 4 stars). 2 submissions from 2 submitters: Uncertain significance (2). Last evaluated 2024-10-21.

Conditions:
Developmental and epileptic encephalopathy, 36 (DEE36). Also called: Epileptic encephalopathy, early infantile, 36; Congenital disorder of glycosylation, type Is; ALG13-CDG. Identifiers: Orphanet 324422, MedGen C4317295, MONDO:0010472, OMIM 300884.

Submissions (2):

Labcorp Genetics (formerly Invitae), Labcorp
Classification: Uncertain significance for Developmental and epileptic encephalopathy, 36. Last evaluated: 2024-10-21. Review status: criteria provided, single submitter. Criteria: Invitae Variant Classification Sherloc (09022015). Collection method: clinical testing. Allele origin: germline.
Comment: This sequence change replaces histidine, which is basic and polar, with tyrosine, which is neutral and polar, at codon 190 of the ALG13 protein (p.His190Tyr). This variant is not present in population databases (gnomAD no frequency). This missense change has been observed in individual(s) with clinical features of ALG13-related conditions (internal data). ClinVar contains an entry for this variant (Variation ID: 1045540). Invitae Evidence Modeling of protein sequence and biophysical properties (such as structural, functional, and spatial information, amino acid conservation, physicochemical variation, residue mobility, and thermodynamic stability) indicates that this missense variant is not expected to disrupt ALG13 protein function with a negative predictive value of 95%. In summary, the available evidence is currently insufficient to determine the role of this variant in disease. Therefore, it has been classified as a Variant of Uncertain Significance.

GeneDx
Classification: Uncertain significance. Last evaluated: 2023-07-05. Review status: criteria provided, single submitter. Criteria: GeneDx Variant Classification Process June 2021. Collection method: clinical testing. Allele origin: germline. Affected: yes.
Comment: Not observed at significant frequency in large population cohorts (gnomAD); In silico analysis supports that this missense variant does not alter protein structure/function; Has not been previously published as pathogenic or benign to our knowledge